The following is an entry in ClinVar:

NM_001291415.2(KDM6A):c.3908T>C (p.Leu1303Ser)

Gene: KDM6A (lysine demethylase 6A; plus strand). Cytogenetic location: Xp11.3.
Variant type: single nucleotide variant.
Coding change: c.3908T>C on transcript NM_001291415.2 (MANE Select); coding-DNA position 3908, T replaced by C.
Protein change: p.Leu1303Ser; replaces leucine 1303 with serine.
Molecular consequence: missense variant. On other transcripts: non-coding transcript variant (1).
Genome position (GRCh38, 1-based): chrX:45,090,738, T>C. VCF-style: chrX-45090738-T-C. GRCh37 (hg19) VCF-style: chrX-44949983-T-C.
Other names: c.3773T>C, p.Leu1258Ser (NM_001291416.2, NM_001419811.1); c.3617T>C, p.Leu1206Ser (NM_001291417.2); c.3515T>C, p.Leu1172Ser (NM_001291418.2, NM_001419815.1); c.2864T>C, p.Leu955Ser (NM_001291421.2); c.3650T>C, p.Leu1217Ser (NM_001410742.1, NM_001419814.1); c.3908T>C, p.Leu1303Ser (NM_001419809.1); c.3806T>C, p.Leu1269Ser (NM_001419810.1, NM_001419813.1); c.3752T>C, p.Leu1251Ser (NM_001419812.1, NM_021140.4); short protein forms L1206S, L1303S, L1258S, L955S, L1269S, L1172S, L1217S, L1251S.
Identifiers: ClinVar variation 4744252 (VCV004744252.1).

ClinVar aggregate classification (germline): Uncertain significance (1 of 4 stars; one submission).

Conditions:
Kabuki syndrome 2 (KABUK2). Also called: KDM6A-Related Kabuki Syndrome. Identifiers: Orphanet 2322, MedGen C3275495, MONDO:0010465, OMIM 300867.

Submission:

Labcorp Genetics (formerly Invitae), Labcorp
Classification: Uncertain significance for Kabuki syndrome 2. Last evaluated: 2025-10-26. Review status: criteria provided, single submitter. Criteria: Invitae Variant Classification Sherloc (09022015). Collection method: clinical testing. Allele origin: germline.
Comment: This sequence change replaces leucine, which is neutral and non-polar, with serine, which is neutral and polar, at codon 1251 of the KDM6A protein (p.Leu1251Ser). This variant is not present in population databases (gnomAD no frequency). This variant has not been reported in the literature in individuals affected with KDM6A-related conditions. Invitae Evidence Modeling of protein sequence and biophysical properties (such as structural, functional, and spatial information, amino acid conservation, physicochemical variation, residue mobility, and thermodynamic stability) has been performed for this missense variant. However, the output from this modeling did not meet the statistical confidence thresholds required to predict the impact of this variant on KDM6A protein function. In summary, the available evidence is currently insufficient to determine the role of this variant in disease. Therefore, it has been classified as a Variant of Uncertain Significance.